The following is an entry in ClinVar:

ClinVar aggregate classification (germline): Benign. Review status: reviewed by expert panel (3 of 4 stars). 2 submissions from 2 submitters: Benign (1). 1 of the submissions does not count toward it. Last evaluated 2022-03-24.

Conditions:
Mitochondrial disease. Also called: Mitochondrial disorder; Mitochondrial disorders. Identifiers: Orphanet 68380, MedGen C0751651, MeSH D028361, MONDO:0044970.

Submissions (2):

ClinGen Mitochondrial Disease Nuclear and Mitochondrial  Variant Curation Expert Panel, ClinGen
Classification: Benign for Mitochondrial disease. Last evaluated: 2022-03-24. Review status: reviewed by expert panel. Criteria: clingen mito disease acmg specifications v1-1. Collection method: curation. Allele origin: germline. Inheritance: Mitochondrial inheritance.
Comment: The m.7028C>T (p. A375A) variant in MT-CO1 was reviewed by the Mitochondrial Disease Nuclear and Mitochondrial Variant Curation Expert Panel as part of the variant pilot for mitochondrial DNA variant specifications (McCormick et al., 2020; PMID: 32906214). This variant is seen at high frequencies in numerous haplogroups and the overall allele frequency in GenBank database (per Mitomap; queried 6/29/2020) is 80.8% (BA1). This is a synonymous variant (BP7). In summary, this variant meets criteria to be classified as benign given its synonymous nature and high frequency in the general population. This classification was approved by the NICHD U24 Mitochondrial Disease Variant Curation Expert Panel as of August 20, 2020. Mitochondrial DNA-specific ACMG/AMP criteria applied: BA1, BP7.

Laboratory of Genetics, Children's Clinical University Hospital Latvia
Classification: Benign. Last evaluated: 2025-02-16. Review status: criteria provided, single submitter. Criteria: ACMG Guidelines, 2015. Collection method: clinical testing. Allele origin: germline. Affected: yes. Not counted in ClinVar's aggregate classification.

NC_012920.1(MT-CO1):m.7028C>T

Gene: MT-CO1 (mitochondrially encoded cytochrome c oxidase I; plus strand).
Variant type: single nucleotide variant.
Genome position: chrM-7028-C-T.
Other names: NC_012920.1:m.7028C>T.
Identifiers: ClinVar variation 1676315 (VCV001676315.2), dbSNP rs2015062, ClinGen allele CA337097543.